The following is an entry in ClinVar:

NM_001130021.3(ATP6V0A1):c.1310A>G (p.Asn437Ser)

Gene: ATP6V0A1 (ATPase H+ transporting V0 subunit a1; plus strand). Cytogenetic location: 17q21.2.
Variant type: single nucleotide variant.
Coding change: c.1310A>G on transcript NM_001130021.3 (MANE Select); coding-DNA position 1310, A replaced by G.
Protein change: p.Asn437Ser; replaces asparagine 437 with serine.
Molecular consequence: missense variant.
Genome position (GRCh38, 1-based): chr17:42,494,469, A>G. VCF-style: chr17-42494469-A-G. GRCh37 (hg19) VCF-style: chr17-40646487-A-G.
Other names: c.1181A>G, p.Asn394Ser (NM_001378538.1, NM_001378540.1); c.1331A>G, p.Asn444Ser (NM_001378539.1, NM_001378541.1, NM_001130020.3 and 3 more transcripts); c.1310A>G, p.Asn437Ser (NM_001378542.1, NM_001378544.1, NM_001378557.1 and 4 more transcripts); c.1151A>G, p.Asn384Ser (NM_001378543.1, NM_001378553.1); c.1100A>G, p.Asn367Ser (NM_001378545.1, NM_001378554.1, NM_001378555.1); c.1097A>G, p.Asn366Ser (NM_001378546.1, NM_001378547.1); c.1433A>G, p.Asn478Ser (NM_001378530.1, NM_001378533.1, NM_001378551.1 and 1 more transcripts); c.1454A>G, p.Asn485Ser (NM_001378531.1, NM_001378532.1); and 2 more; short protein forms N366S, N367S, N377S, N384S, N394S, N401S, N437S, N444S.
Identifiers: ClinVar variation 1800862 (VCV001800862.2), dbSNP rs2510232683, ClinGen allele CA399592682.

ClinVar aggregate classification (germline): Uncertain significance (1 of 4 stars; one submission).

Submission:

GeneDx
Classification: Uncertain significance. Last evaluated: 2025-07-29. Review status: criteria provided, single submitter. Criteria: GeneDx Variant Classification Process June 2021. Collection method: clinical testing. Allele origin: germline.
Comment: Not observed at significant frequency in large population cohorts (gnomAD); In silico analysis supports that this missense variant has a deleterious effect on protein structure/function; Has not been previously published as pathogenic or benign to our knowledge